The following is an entry in ClinVar:

NM_017780.4(CHD7):c.310C>T (p.Gln104Ter)

Gene: CHD7 (chromodomain helicase DNA binding protein 7; plus strand). Cytogenetic location: 8q12.2.
Variant type: single nucleotide variant.
Coding change: c.310C>T on transcript NM_017780.4 (MANE Select); coding-DNA position 310, C replaced by T.
Protein change: p.Gln104Ter; replaces glutamine 104 with a stop codon.
Molecular consequence: nonsense.
Genome position (GRCh38, 1-based): chr8:60,741,742, C>T. VCF-style: chr8-60741742-C-T. GRCh37 (hg19) VCF-style: chr8-61654301-C-T.
Other names: c.310C>T (LRG_176t1); c.310C>T, p.Gln104Ter (NM_001316690.1); short protein forms Q104*.
Identifiers: ClinVar variation 430014 (VCV000430014.2), dbSNP rs1131691733, ClinGen allele CA371297087.
Genomic context (GRCh38, chr8:60,741,742, plus strand): 5'-GATCAGCCGAACAGAATGATGAGCAACACCCCTGGGAACGGACTCGCGTCTCCGCACTCG[C>T]AGTATCACACCCCTCCCGTTCCTCAGGTGCCCCATGGTGGCAGTGGTGGCGGTCAGATGG-3'

ClinVar aggregate classification (germline): Pathogenic (1 of 4 stars; one submission).

Submission:

GeneDx
Classification: Pathogenic. Last evaluated: 2015-09-24. Review status: criteria provided, single submitter. Criteria: GeneDx Variant Classification (06012015). Collection method: clinical testing. Allele origin: germline. Affected: yes.
Comment: The Q104X nonsense variant in the CHD7 gene is predicted to cause loss of normal protein function either through protein truncation or nonsense-mediated mRNA decay. Approximately 45% of CHD7 variants are nonsense variants (Janssen et al., 2012; Zentner et al., 2010). Therefore, although the Q104X variant is interpreted as pathogenic.